The following is an entry in ClinVar:

NM_020822.3(KCNT1):c.855-280del

Gene: KCNT1 (potassium sodium-activated channel subfamily T member 1; plus strand). Cytogenetic location: 9q34.3.
Variant type: Deletion.
Coding change: c.855-280del on transcript NM_020822.3 (MANE Select); 280 bases into the intron before coding-DNA position 855, one base deleted (G; older notation c.855-280delG).
Molecular consequence: intron variant.
Genome position (GRCh38, 1-based): chr9:135,759,399, G deleted; the last of 3 consecutive G bases (chr9:135,759,397-135,759,399); deleting any one gives the same sequence. VCF-style (leftmost placement, unchanged base first): chr9-135759396-AG-A. GRCh37 (hg19) VCF-style: chr9-138651242-AG-A.
Other names: c.711-271del (NM_001272003.2).
Identifiers: ClinVar variation 672820 (VCV000672820.1), dbSNP rs35933412, ClinGen allele CA201461385.

ClinVar aggregate classification (germline): Benign (1 of 4 stars; one submission).

Submission:

GeneDx
Classification: Benign. Last evaluated: 2018-06-14. Review status: criteria provided, single submitter. Criteria: GeneDx Variant Classification (06012015). Collection method: clinical testing. Allele origin: germline. Affected: yes.
Comment: This variant is considered likely benign or benign based on one or more of the following criteria: it is a conservative change, it occurs at a poorly conserved position in the protein, it is predicted to be benign by multiple in silico algorithms, and/or has population frequency not consistent with disease.